The following is an entry in ClinVar:

NM_003321.5(TUFM):c.906C>G (p.Ile302Met)

Gene: TUFM (Tu translation elongation factor, mitochondrial; minus strand). Cytogenetic location: 16p11.2.
Variant type: single nucleotide variant.
Coding change: c.906C>G on transcript NM_003321.5 (MANE Select); coding-DNA position 906, C replaced by G.
Protein change: p.Ile302Met; replaces isoleucine 302 with methionine.
Molecular consequence: missense variant. On other transcripts: intron variant (1).
Genome position (GRCh38, 1-based): chr16:28,844,246, G>C on the plus strand (C>G on the coding strand, the complement: TUFM is on the minus strand). VCF-style: chr16-28844246-G-C. GRCh37 (hg19) VCF-style: chr16-28855567-G-C.
Other names: c.838+68C>G (NM_001365360.2); short protein forms I302M.
Identifiers: ClinVar variation 1938839 (VCV001938839.5), dbSNP rs2544829929, ClinGen allele CA395415028.

ClinVar aggregate classification (germline): Uncertain significance (1 of 4 stars; one submission).

Submission:

Labcorp Genetics (formerly Invitae), Labcorp
Classification: Uncertain significance. Last evaluated: 2023-12-22. Review status: criteria provided, single submitter. Criteria: Invitae Variant Classification Sherloc (09022015). Collection method: clinical testing. Allele origin: germline.
Comment: This sequence change replaces isoleucine, which is neutral and non-polar, with methionine, which is neutral and non-polar, at codon 302 of the TUFM protein (p.Ile302Met). This variant is not present in population databases (gnomAD no frequency). This variant has not been reported in the literature in individuals affected with TUFM-related conditions. ClinVar contains an entry for this variant (Variation ID: 1938839). Advanced modeling of protein sequence and biophysical properties (such as structural, functional, and spatial information, amino acid conservation, physicochemical variation, residue mobility, and thermodynamic stability) performed at Invitae indicates that this missense variant is not expected to disrupt TUFM protein function with a negative predictive value of 80%. Algorithms developed to predict the effect of sequence changes on RNA splicing suggest that this variant may disrupt the consensus splice site. In summary, the available evidence is currently insufficient to determine the role of this variant in disease. Therefore, it has been classified as a Variant of Uncertain Significance.